The following is an entry in ClinVar:

ClinVar aggregate classification (germline): Uncertain significance. Review status: criteria provided, multiple submitters, no conflicts (2 of 4 stars). 2 submissions from 2 submitters: Uncertain significance (2). Last evaluated 2025-01-11.

Conditions:
Baller-Gerold syndrome (BGS). Also called: CRANIOSYNOSTOSIS WITH RADIAL DEFECTS. Identifiers: Orphanet 1225, MedGen C0265308, MONDO:0009039, OMIM 218600.

Submissions (2):

Labcorp Genetics (formerly Invitae), Labcorp
Classification: Uncertain significance for Baller-Gerold syndrome. Last evaluated: 2025-01-11. Review status: criteria provided, single submitter. Criteria: Invitae Variant Classification Sherloc (09022015). Collection method: clinical testing. Allele origin: germline.
Comment: This variant, c.1930_1935del, results in the deletion of 2 amino acid(s) of the RECQL4 protein (p.Ala644_Thr645del), but otherwise preserves the integrity of the reading frame. This variant is present in population databases (rs781471399, gnomAD 0.01%). This variant has not been reported in the literature in individuals affected with RECQL4-related conditions. Experimental studies and prediction algorithms are not available or were not evaluated, and the functional significance of this variant is currently unknown. In summary, the available evidence is currently insufficient to determine the role of this variant in disease. Therefore, it has been classified as a Variant of Uncertain Significance.

GeneDx
Classification: Uncertain significance. Last evaluated: 2020-03-13. Review status: criteria provided, single submitter. Criteria: GeneDx Variant Classification Process June 2021. Collection method: clinical testing. Allele origin: germline. Affected: yes.
Comment: In-frame deletion of 2 amino acids in a non-repeat region; In silico analysis supports a deleterious effect on protein structure/function; Has not been previously published as pathogenic or benign to our knowledge; This variant is associated with the following publications: (PMID: 27247962)

NM_004260.4(RECQL4):c.1924GCCACA[1] (p.642AT[1])

Gene: RECQL4 (RecQ like helicase 4; minus strand). Cytogenetic location: 8q24.3.
Variant type: Microsatellite.
Coding change: c.1924GCCACA[1] on transcript NM_004260.4 (MANE Select); one copy of the 6-base unit GCCACA starting at c.1924; the reference has two copies in a row; one copy, 6 bases deleted.
Protein change: p.642AT[1].
Molecular consequence: inframe deletion.
Genome position (GRCh38, 1-based): chr8:144,514,051-144,514,056, TGTGGC deleted on the plus strand (GCCACA on the coding strand, the reverse complement: RECQL4 is on the minus strand); deleting any 6 consecutive bases within chr8:144,514,051-144,514,066 gives the same sequence; the position shown is the placement nearest the transcript's 3' end. VCF-style (leftmost placement, unchanged base first): chr8-144514050-GTGTGGC-G. GRCh37 (hg19) VCF-style: chr8-145739434-GTGTGGC-G.
Other names: c.1930_1935delGCCACA (NM_004260.3).
Identifiers: ClinVar variation 459356 (VCV000459356.8), dbSNP rs781471399, ClinGen allele CA4948571.